The following is an entry in ClinVar:

ClinVar aggregate classification (germline): Pathogenic (1 of 4 stars; one submission).

Submission:

Labcorp Genetics (formerly Invitae), Labcorp
Classification: Pathogenic. Last evaluated: 2022-05-12. Review status: criteria provided, single submitter. Criteria: Invitae Variant Classification Sherloc (09022015). Collection method: clinical testing. Allele origin: germline.
Comment: For these reasons, this variant has been classified as Pathogenic. ClinVar contains an entry for this variant (Variation ID: 1019088). This variant has not been reported in the literature in individuals affected with POLE-related conditions. This variant is not present in population databases (gnomAD no frequency). This sequence change creates a premature translational stop signal (p.Ser1483Glufs*62) in the POLE gene. It is expected to result in an absent or disrupted protein product. Loss-of-function variants in POLE are known to be pathogenic (PMID: 23230001, 25948378, 30503519).

Literature cited by the submitters: PubMed 23230001; PubMed 25948378; PubMed 30503519.

NM_006231.4(POLE):c.4445-1dup

Gene: POLE (DNA polymerase epsilon, catalytic subunit; minus strand). Cytogenetic location: 12q24.33.
Variant type: Duplication.
Coding change: c.4445-1dup on transcript NM_006231.4 (MANE Select); the canonical splice acceptor site of the intron before coding-DNA position 4445, one base duplicated (G; older notation c.4445-1dupG).
Molecular consequence: splice acceptor variant.
Genome position (GRCh38, 1-based): chr12:132,643,329, C duplicated on the plus strand (G on the coding strand, the reverse complement: POLE is on the minus strand); the first of 3 consecutive C bases (chr12:132,643,329-132,643,331); duplicating any one gives the same sequence. VCF-style (leftmost placement, unchanged base first): chr12-132643328-T-TC. GRCh37 (hg19) VCF-style: chr12-133219914-T-TC.
Identifiers: ClinVar variation 1019088 (VCV001019088.8), dbSNP rs2042198580, ClinGen allele CA2072989319.